The following is an entry in ClinVar:

ClinVar aggregate classification (germline): Uncertain significance (1 of 4 stars; one submission).

Allele frequency attached by ClinVar (database versions not stated): gnomAD exomes below 0.00001.
gnomAD v4.1: 1 of 1,614,100 alleles (0.000062%); highest among the groups gnomAD compares: Non-Finnish European, 0.000085%; no homozygotes.

Submission:

CeGaT Center for Human Genetics Tuebingen
Classification: Uncertain significance. Last evaluated: 2023-09-01. Review status: criteria provided, single submitter. Criteria: CeGaT Center For Human Genetics Tuebingen Variant Classification Criteria Version 2. Collection method: clinical testing. Allele origin: germline. Affected: yes. Observed: 1 variant allele.
Comment: POLG: PM2

NM_002693.3(POLG):c.3253C>T (p.Pro1085Ser)

Gene: POLG (DNA polymerase gamma, catalytic subunit; minus strand). Cytogenetic location: 15q26.1.
Variant type: single nucleotide variant.
Coding change: c.3253C>T on transcript NM_002693.3 (MANE Select); coding-DNA position 3253, C replaced by T.
Protein change: p.Pro1085Ser; replaces proline 1085 with serine.
Molecular consequence: missense variant.
Genome position (GRCh38, 1-based): chr15:89,318,951, G>A on the plus strand (C>T on the coding strand, the complement: POLG is on the minus strand). VCF-style: chr15-89318951-G-A. GRCh37 (hg19) VCF-style: chr15-89862182-G-A.
Other names: c.3253C>T, p.Pro1085Ser (NM_001126131.2); short protein forms P1085S.
Identifiers: ClinVar variation 2645688 (VCV002645688.24), dbSNP rs2055351331, ClinGen allele CA393750490.